The following is an entry in ClinVar:

ClinVar aggregate classification (germline): Uncertain significance (1 of 4 stars; one submission).

Conditions:
Arrhythmogenic right ventricular cardiomyopathy (ARVD). Also called: Arrhythmogenic right ventricular dysplasia; Cardiomyopathy, ARVC; Arrhythmogenic cardiomyopathy; Arrhythmogenic Right Ventricular Cardiomyopathy (ARVC). Identifiers: Orphanet 247, MedGen C0349788, MeSH D019571, MONDO:0016587. Disease mechanism: loss of function. Inheritance: Various modes of inheritance.

Submission:

All of Us Research Program, National Institutes of Health
Classification: Uncertain significance for Arrhythmogenic right ventricular cardiomyopathy. Last evaluated: 2023-06-26. Review status: criteria provided, single submitter. Criteria: ACMG Guidelines, 2015. Collection method: clinical testing. Allele origin: germline. Inheritance: Autosomal dominant inheritance. Observed: 1 variant allele, 1 heterozygote.
Comment: This missense variant replaces aspartic acid with asparagine at codon 513 of the PKP2 protein. Computational prediction suggests that this variant may not impact protein structure and function (internally defined REVEL score threshold <= 0.5, PMID: 27666373). To our knowledge, functional studies have not been reported for this variant. This variant has not been reported in individuals affected with PKP2-related disorders in the literature. This variant has been identified in 1/250822 chromosomes in the general population by the Genome Aggregation Database (gnomAD). The available evidence is insufficient to determine the role of this variant in disease conclusively. Therefore, this variant is classified as a Variant of Uncertain Significance.

This study involves interpretation of variants in research participants for the purpose of population health screening. Participant phenotype was not available at the time of variant classification. Additional details can be found in publication PMID: 35346344, PMCID: PMC8962531

NM_001005242.3(PKP2):c.1405G>A (p.Asp469Asn)

Gene: PKP2 (plakophilin 2; minus strand). Cytogenetic location: 12p11.21.
Variant type: single nucleotide variant.
Coding change: c.1405G>A on transcript NM_001005242.3 (MANE Select); coding-DNA position 1405, G replaced by A.
Protein change: p.Asp469Asn; replaces aspartic acid 469 with asparagine.
Molecular consequence: missense variant.
Genome position (GRCh38, 1-based): chr12:32,841,179, C>T on the plus strand (G>A on the coding strand, the complement: PKP2 is on the minus strand). VCF-style: chr12-32841179-C-T. GRCh37 (hg19) VCF-style: chr12-32994113-C-T.
Other names: c.1405G>A, p.Asp469Asn (NM_001407155.1, NM_001407156.1, NM_001407161.1); c.1537G>A, p.Asp513Asn (NM_001407157.1, NM_004572.4); c.1078G>A, p.Asp360Asn (NM_001407158.1, NM_001407159.1, NM_001407160.1 and 1 more transcripts); short protein forms D360N, D469N, D513N.
Identifiers: ClinVar variation 3072033 (VCV003072033.1), dbSNP rs1346668604, ClinGen allele CA384368073.
Genomic context (GRCh38, chr12:32,841,179, plus strand): 5'-TGATGATATTCTCCGTCAGCGTAAGCAATGCTTCTGTTATCATGAGATTCTTGAGTTTGT[C>T]ATTAGATGACAAATTCCACAGCAAACCTAGAAAAGCACAGAGTTACCATGAAAACAGTGC-3'
Protein context (NP_001005242.2, residues 459-479): TGLLWNLSSN[Asp469Asn]KLKNLMITEA